The following is an entry in ClinVar:

NM_001211.6(BUB1B):c.2535+4T>C

Gene: BUB1B (BUB1 mitotic checkpoint serine/threonine kinase B; plus strand). Cytogenetic location: 15q15.1.
Variant type: single nucleotide variant.
Coding change: c.2535+4T>C on transcript NM_001211.6 (MANE Select); 4 bases into the intron after coding-DNA position 2535, T replaced by C.
Molecular consequence: intron variant.
Genome position (GRCh38, 1-based): chr15:40,212,652, T>C. VCF-style: chr15-40212652-T-C. GRCh37 (hg19) VCF-style: chr15-40504853-T-C.
Identifiers: ClinVar variation 4701797 (VCV004701797.1).

ClinVar aggregate classification (germline): Uncertain significance (1 of 4 stars; one submission).

Conditions:
Mosaic variegated aneuploidy syndrome 1 (MVA1). Also called: Warburton-Anyane-Yeboa syndrome. Identifiers: Orphanet 1052, MedGen C1850343, MONDO:0009759, OMIM 257300.

Submission:

Labcorp Genetics (formerly Invitae), Labcorp
Classification: Uncertain significance for Mosaic variegated aneuploidy syndrome 1. Last evaluated: 2025-12-13. Review status: criteria provided, single submitter. Criteria: Invitae Variant Classification Sherloc (09022015). Collection method: clinical testing. Allele origin: germline.
Comment: This sequence change falls in intron 19 of the BUB1B gene. It does not directly change the encoded amino acid sequence of the BUB1B protein. It affects a nucleotide within the consensus splice site. This variant is not present in population databases (gnomAD no frequency). This variant has not been reported in the literature in individuals affected with BUB1B-related conditions. Variants that disrupt the consensus splice site are a relatively common cause of aberrant splicing (PMID: 17576681, 9536098). Algorithms developed to predict the effect of sequence changes on RNA splicing suggest that this variant is not likely to affect RNA splicing. In summary, the available evidence is currently insufficient to determine the role of this variant in disease. Therefore, it has been classified as a Variant of Uncertain Significance.

Literature cited by the submitters: PubMed 17576681; PubMed 9536098.